The following is an entry in ClinVar:

NM_000545.8(HNF1A):c.19C>T (p.Gln7Ter)

Gene: HNF1A (HNF1 homeobox A; plus strand). Cytogenetic location: 12q24.31.
Variant type: single nucleotide variant.
Coding change: c.19C>T on transcript NM_000545.8 (MANE Select); coding-DNA position 19, C replaced by T.
Protein change: p.Gln7Ter; replaces glutamine 7 with a stop codon.
Molecular consequence: nonsense.
Genome position (GRCh38, 1-based): chr12:120,978,787, C>T. VCF-style: chr12-120978787-C-T. GRCh37 (hg19) VCF-style: chr12-121416590-C-T.
Other names: NM_000545.8(HNF1A):c.19C>T; p.Gln7Ter; c.19C>T, p.Gln7Ter (NM_001306179.2); short protein forms Q7*.
Identifiers: ClinVar variation 562372 (VCV000562372.7), dbSNP rs1566092307, ClinGen allele CA386952237.

ClinVar aggregate classification (germline): Pathogenic. Review status: reviewed by expert panel (3 of 4 stars). 5 submissions from 5 submitters: Pathogenic (1). 4 of the submissions do not count toward it. Last evaluated 2022-03-18.

Conditions:
Monogenic diabetes. Identifiers: Orphanet 183625, MedGen C3888631, MONDO:0015967.
Maturity-onset diabetes of the young (MODY). Also called: Maturity onset diabetes mellitus in young. Identifiers: Orphanet 552, MedGen C0342276, MONDO:0018911, HP:0004904.
Maturity-onset diabetes of the young type 3. Also called: MODY type 3; MODY, type III. Identifiers: Orphanet 552, MedGen C1838100, MeSH C563933, MONDO:0010894, OMIM 600496. Disease mechanism: loss of function.

Submissions (5):

ClinGen Monogenic Diabetes Variant Curation Expert Panel
Classification: Pathogenic for Monogenic diabetes. Last evaluated: 2022-03-18. Review status: reviewed by expert panel. Criteria: ClinGen Diabetes ACMG Specifications v1 1. Collection method: curation. Allele origin: germline. Inheritance: Autosomal dominant inheritance.
Comment: The c.19C>T variant in the HNF1 homeobox A gene, HNF1A, results in a premature termination at codon 7 (p.(Gln7Ter)) of NM_000545.8. This variant is located in exon 1 of 10, and is therefore predicted to result in nonsense mediated decay of a biologically relevant transcript in a gene in which loss of function is an established disease mechanism (PVS1; PMID 23348805). This variant is absent from gnomAD v2.1.1 (PM2_Supporting). Additionally, this variant was identified in 4 unrelated individuals with non-autoimmune and non-absolute/near-absolute insulin-deficient diabetes (PS4_Moderate; PMID: 9097962, internal lab contributors). These cases were not tested for HNF4A; therefore, PP4 was not met. Lastly, this variant segregated with diabetes with at least ten informative meioses in three families with MODY (PP1_Strong; PMID 9097962; internal lab contributors). In summary, this variant meets the criteria to be classified as pathogenic for monogenic diabetes. ACMG/AMP criteria applied, as specified by the ClinGen MDEP (specification version 1.1, approved 9/30/21): PVS1, PS4_Moderate, PP1_Strong, PM2_Supporting.

Labcorp Genetics (formerly Invitae), Labcorp
Classification: Pathogenic. Last evaluated: 2025-12-16. Review status: criteria provided, single submitter. Criteria: Invitae Variant Classification Sherloc (09022015). Collection method: clinical testing. Allele origin: germline. Not counted in ClinVar's aggregate classification.
Comment: This sequence change creates a premature translational stop signal (p.Gln7*) in the HNF1A gene. It is expected to result in an absent or disrupted protein product. Loss-of-function variants in HNF1A are known to be pathogenic (PMID: 15928245, 18003757). This variant is not present in population databases (gnomAD no frequency). This premature translational stop signal has been observed in individual(s) with maturity-onset diabetes of the young (PMID: 9097962). ClinVar contains an entry for this variant (Variation ID: 562372). For these reasons, this variant has been classified as Pathogenic.

Clinical Genomics, Uppaluri K&H Personalized Medicine Clinic
Classification: Pathogenic for Maturity-onset diabetes of the young. Review status: criteria provided, single submitter. Criteria: K & H Uppaluri Personalized Medicine Clinic Variant Classification & Assertion Criteria_Updated V.1. Collection method: research. Allele origin: unknown. Inheritance: Autosomal dominant inheritance. Not counted in ClinVar's aggregate classification.
Comment: Mutations in HNF1A gene can predispose to MODY3. It is associated with both micro and macrovascular complications of diabetes, especially cardiovascular complications. Associated with glucosuria. May respond well to sulfonylureas. However, more evidence is required to confer the association of this particular variant rs1566092307 with MODY3.

Gharavi Laboratory, Columbia University
Classification: Pathogenic. Last evaluated: 2018-09-16. Review status: no assertion criteria provided. Criteria: ACMG Guidelines, 2015. Collection method: research. Allele origin: germline. Affected: yes. Not counted in ClinVar's aggregate classification.

Genomics And Bioinformatics Analysis Resource, Columbia University
Classification: Pathogenic for Maturity-onset diabetes of the young type 3. Review status: no assertion criteria provided. Collection method: research. Allele origin: unknown. Affected: yes. Not counted in ClinVar's aggregate classification.

Literature cited by the submitters: PubMed 15928245 (cited by Labcorp Genetics (formerly Invitae), Labcorp); PubMed 18003757 (cited by Labcorp Genetics (formerly Invitae), Labcorp); PubMed 9097962 (cited by Labcorp Genetics (formerly Invitae), Labcorp); PubMed 31517624 (cited by Clinical Genomics, Uppaluri K&H Personalized Medicine Clinic); PubMed 32395877 (cited by Clinical Genomics, Uppaluri K&H Personalized Medicine Clinic); PubMed 35328643 (cited by Clinical Genomics, Uppaluri K&H Personalized Medicine Clinic); PubMed 35673428 (cited by Clinical Genomics, Uppaluri K&H Personalized Medicine Clinic).